The following is an entry in ClinVar:

NC_000016.10:g.(?_89808284)_(89816616_?)del

Gene: FANCA (FA complementation group A; minus strand). Cytogenetic location: 16q24.3.
Variant type: Deletion.
Identifiers: ClinVar variation 831679 (VCV000831679.1).

ClinVar aggregate classification (germline): Pathogenic (1 of 4 stars; one submission).

Conditions:
Fanconi anemia (FA). Also called: Fanconi's anemia. Identifiers: Orphanet 84, MedGen C0015625, MeSH D005199, MONDO:0019391.

Submission:

Labcorp Genetics (formerly Invitae), Labcorp
Classification: Pathogenic for Fanconi anemia. Last evaluated: 2019-10-01. Review status: criteria provided, single submitter. Criteria: Invitae Variant Classification Sherloc (09022015). Collection method: clinical testing. Allele origin: germline.
Comment: This variant is a gross deletion of the genomic region encompassing exons 1-6 of the FANCA gene, which includes the initiator codon. The 5' end of this event is unknown as it extends beyond the assayed region for this gene and therefore may encompass additional genes. The 3' boundary is likely confined to intron 6 of the FANCA gene. This is expected to result in an absent or disrupted protein product. This variant has been observed in several individuals affected with Fanconi anemia (PMID: 29098742). Loss-of-function variants in FANCA are known to be pathogenic (PMID: 19367192). For these reasons, this variant has been classified as Pathogenic.

Literature cited by the submitters: PubMed 29098742.